The following is an entry in ClinVar:

ClinVar aggregate classification (germline): Conflicting classifications of pathogenicity. Review status: criteria provided, conflicting classifications (1 of 4 stars). 3 submissions from 3 submitters: Pathogenic (1); Uncertain significance (2). Last evaluated 2026-08-06.

Conditions:
Walker-Warburg congenital muscular dystrophy. Also called: Muscular dystrophy-dystroglycanopathy, type A; Walker-Warburg syndrome. Identifiers: Orphanet 899, MedGen C0265221, MONDO:0000171.

Submissions (3):

OLLIN Analises Genomicas, OLLIN
Classification: Uncertain significance. Last evaluated: 2026-08-06. Review status: criteria provided, single submitter. Criteria: ACMG Guidelines 2015 PMID 25741868. Collection method: clinical testing. Allele origin: germline.
Comment: This frameshift variant, located in exon 4 (of 4), is absent from gnomAD and has not been identified in the literature. However, it has been reported in ClinVar (accession VCV001356639.8). This variant causes a frameshift and introduces a premature stop codon, which is predicted to result in either a truncated protein or degradation of the mRNA via nonsense-mediated decay (NMD). According to the currently available evidence, this variant has been classified as uncertain significance (PVS1_S, PM2_P).

Labcorp Genetics (formerly Invitae), Labcorp
Classification: Pathogenic for Walker-Warburg congenital muscular dystrophy. Last evaluated: 2021-10-08. Review status: criteria provided, single submitter. Criteria: Invitae Variant Classification Sherloc (09022015). Collection method: clinical testing. Allele origin: germline.
Comment: This sequence change creates a premature translational stop signal (p.His412Profs*52) in the FKRP gene. While this is not anticipated to result in nonsense mediated decay, it is expected to disrupt the last 84 amino acid(s) of the FKRP protein. This variant is not present in population databases (ExAC no frequency). This variant has not been reported in the literature in individuals affected with FKRP-related conditions. This variant disrupts a region of the FKRP protein in which other variant(s) (p.Gln460*) have been determined to be pathogenic (PMID: 16476814; Invitae). This suggests that this is a clinically significant region of the protein, and that variants that disrupt it are likely to be disease-causing. For these reasons, this variant has been classified as Pathogenic.

Revvity Omics, Revvity
Classification: Uncertain significance. Last evaluated: 2020-04-15. Review status: criteria provided, single submitter. Criteria: ACMG Guidelines, 2015. Collection method: clinical testing. Allele origin: germline.

Literature cited by the submitters: PubMed 16476814 (cited by Labcorp Genetics (formerly Invitae), Labcorp).

NM_024301.5(FKRP):c.1234dup (p.His412fs)

Gene: FKRP (fukutin related protein; plus strand). Cytogenetic location: 19q13.32.
Variant type: Duplication.
Coding change: c.1234dup on transcript NM_024301.5 (MANE Select); coding-DNA position 1234, one base duplicated (C; older notation c.1234dupC).
Protein change: p.His412fs; shifts the reading frame from histidine 412.
Molecular consequence: frameshift variant.
Genome position (GRCh38, 1-based): chr19:46,756,684, C duplicated; the last of 2 consecutive C bases (chr19:46,756,683-46,756,684); duplicating either gives the same sequence. VCF-style (leftmost placement, unchanged base first): chr19-46756682-A-AC. GRCh37 (hg19) VCF-style: chr19-47259939-A-AC.
Other names: c.1234dup (NM_024301.4); c.1234dup, p.His412fs (NM_001039885.3); short protein forms H412fs.
Identifiers: ClinVar variation 1356639 (VCV001356639.9), dbSNP rs2122633849, ClinGen allele CA2573156481.